The following is an entry in ClinVar:

NM_021008.4(DEAF1):c.289G>A (p.Glu97Lys)

Gene: DEAF1 (DEAF1 transcription factor; minus strand). Cytogenetic location: 11p15.5.
Variant type: single nucleotide variant.
Coding change: c.289G>A on transcript NM_021008.4 (MANE Select); coding-DNA position 289, G replaced by A.
Protein change: p.Glu97Lys; replaces glutamic acid 97 with lysine.
Molecular consequence: missense variant. On other transcripts: intron variant (1).
Genome position (GRCh38, 1-based): chr11:694,759, C>T on the plus strand (G>A on the coding strand, the complement: DEAF1 is on the minus strand). VCF-style: chr11-694759-C-T. GRCh37 (hg19) VCF-style: chr11-694759-C-T.
Other names: c.289G>A, p.Glu97Lys (NM_001293634.2); c.-437-3161G>A (NM_001367390.1); short protein forms E97K.
Identifiers: ClinVar variation 2802578 (VCV002802578.3), dbSNP rs2494502616, ClinGen allele CA378938937.
Genomic context (GRCh38, chr11:694,759, plus strand): 5'-AGGCGCGCGGGGTAGGCGCGCGGGAACCGGACGAGGCGAGAGGCCGGCGGGCGCACTTGC[C>T]TGCGAAGGCTGCGGCAGCGGCGGCCTCGTCGGGGCCGGGCAGGGCCTCGGCGCCCATGTC-3'
Protein context (NP_066288.2, residues 87-107): DEAAAAAAFA[Glu97Lys]VTTVTVANVG

ClinVar aggregate classification (germline): Uncertain significance (1 of 4 stars; one submission).

Allele frequency attached by ClinVar (database versions not stated): gnomAD exomes below 0.00001.
gnomAD v4.1: 1 of 1,299,146 alleles (0.000077%); highest among the groups gnomAD compares: Non-Finnish European, 0.000097%; no homozygotes.

Submission:

Labcorp Genetics (formerly Invitae), Labcorp
Classification: Uncertain significance. Last evaluated: 2023-10-22. Review status: criteria provided, single submitter. Criteria: Invitae Variant Classification Sherloc (09022015). Collection method: clinical testing. Allele origin: germline.
Comment: This sequence change replaces glutamic acid, which is acidic and polar, with lysine, which is basic and polar, at codon 97 of the DEAF1 protein (p.Glu97Lys). This variant also falls at the last nucleotide of exon 1, which is part of the consensus splice site for this exon. This variant is not present in population databases (gnomAD no frequency). This variant has not been reported in the literature in individuals affected with DEAF1-related conditions. An algorithm developed to predict the effect of missense changes on protein structure and function (PolyPhen-2) suggests that this variant is likely to be disruptive. Variants that disrupt the consensus splice site are a relatively common cause of aberrant splicing (PMID: 17576681, 9536098). Algorithms developed to predict the effect of sequence changes on RNA splicing suggest that this variant may disrupt the consensus splice site. In summary, the available evidence is currently insufficient to determine the role of this variant in disease. Therefore, it has been classified as a Variant of Uncertain Significance.

Literature cited by the submitters: PubMed 17576681; PubMed 9536098.